The following is an entry in ClinVar:

ClinVar aggregate classification (germline): Uncertain significance. Review status: criteria provided, multiple submitters, no conflicts (2 of 4 stars). 3 submissions from 3 submitters: Uncertain significance (2). 1 of the submissions does not count toward it. Last evaluated 2025-12-04.

Conditions:
NOTCH1-related disorder. Also called: NOTCH1-related disorders; NOTCH1-related condition.
Adams-Oliver syndrome 5 (AOS5). Identifiers: Orphanet 974, MedGen C4014970, MONDO:0014459, OMIM 616028.

Submissions (3):

GeneDx
Classification: Uncertain significance. Last evaluated: 2025-12-04. Review status: criteria provided, single submitter. Criteria: GeneDx Variant Classification Process June 2021. Collection method: clinical testing. Allele origin: germline.
Comment: Not observed at significant frequency in large population cohorts (gnomAD); In silico analysis supports that this missense variant has a deleterious effect on protein structure/function; Has not been previously published as pathogenic or benign to our knowledge

Labcorp Genetics (formerly Invitae), Labcorp
Classification: Uncertain significance for Adams-Oliver syndrome 5. Last evaluated: 2019-07-26. Review status: criteria provided, single submitter. Criteria: Invitae Variant Classification Sherloc (09022015). Collection method: clinical testing. Allele origin: germline.
Comment: In summary, the available evidence is currently insufficient to determine the role of this variant in disease. Therefore, it has been classified as a Variant of Uncertain Significance. Algorithms developed to predict the effect of missense changes on protein structure and function (SIFT, PolyPhen-2, Align-GVGD) all suggest that this variant is likely to be disruptive, but these predictions have not been confirmed by published functional studies and their clinical significance is uncertain. This variant has not been reported in the literature in individuals with NOTCH1-related conditions. The frequency data for this variant in the population databases is considered unreliable, as metrics indicate insufficient coverage at this position in the ExAC database. This sequence change replaces proline with leucine at codon 226 of the NOTCH1 protein (p.Pro226Leu). The proline residue is highly conserved and there is a moderate physicochemical difference between proline and leucine.

PreventionGenetics, part of Exact Sciences
Classification: Uncertain significance for NOTCH1-related condition. Last evaluated: 2024-05-14. Review status: no assertion criteria provided. Collection method: clinical testing. Allele origin: germline. Not counted in ClinVar's aggregate classification.
Comment: The NOTCH1 c.677C>T variant is predicted to result in the amino acid substitution p.Pro226Leu. To our knowledge, this variant has not been reported in the literature or in a large population database, indicating this variant is rare. At this time, the clinical significance of this variant is uncertain due to the absence of conclusive functional and genetic evidence.

NM_017617.5(NOTCH1):c.677C>T (p.Pro226Leu)

Gene: NOTCH1 (notch receptor 1; minus strand). Cytogenetic location: 9q34.3.
Variant type: single nucleotide variant.
Coding change: c.677C>T on transcript NM_017617.5 (MANE Select); coding-DNA position 677, C replaced by T.
Protein change: p.Pro226Leu; replaces proline 226 with leucine.
Molecular consequence: missense variant.
Genome position (GRCh38, 1-based): chr9:136,522,915, G>A on the plus strand (C>T on the coding strand, the complement: NOTCH1 is on the minus strand). VCF-style: chr9-136522915-G-A. GRCh37 (hg19) VCF-style: chr9-139417367-G-A.
Other names: c.677C>T (NM_017617.4); short protein forms P226L.
Identifiers: ClinVar variation 946202 (VCV000946202.12), dbSNP rs1843395886, ClinGen allele CA375569447.